The following is an entry in ClinVar:

ClinVar aggregate classification (germline): Uncertain significance (1 of 4 stars; one submission).

Allele frequency attached by ClinVar (database versions not stated): gnomAD 0.00001; gnomAD exomes 0.00001; TOPMed 0.00005; ExAC 0.00008.
gnomAD v4.1: 18 of 1,560,002 alleles (0.0012%); highest among the groups gnomAD compares: Admixed American, 0.024%; no homozygotes.

Submission:

Labcorp Genetics (formerly Invitae), Labcorp
Classification: Uncertain significance. Last evaluated: 2024-11-18. Review status: criteria provided, single submitter. Criteria: Invitae Variant Classification Sherloc (09022015). Collection method: clinical testing. Allele origin: germline.
Comment: This sequence change replaces arginine, which is basic and polar, with histidine, which is basic and polar, at codon 328 of the WNT3A protein (p.Arg328His). The frequency data for this variant in the population databases is considered unreliable, as metrics indicate poor data quality at this position in the gnomAD database. This variant has not been reported in the literature in individuals affected with WNT3A-related conditions. ClinVar contains an entry for this variant (Variation ID: 2961384). An algorithm developed to predict the effect of missense changes on protein structure and function outputs the following: PolyPhen-2: "Benign". The histidine amino acid residue is found in multiple mammalian species, which suggests that this missense change does not adversely affect protein function. In summary, the available evidence is currently insufficient to determine the role of this variant in disease. Therefore, it has been classified as a Variant of Uncertain Significance.

NM_033131.4(WNT3A):c.983G>A (p.Arg328His)

Gene: WNT3A (Wnt family member 3A; plus strand). Cytogenetic location: 1q42.13.
Variant type: single nucleotide variant.
Coding change: c.983G>A on transcript NM_033131.4 (MANE Select); coding-DNA position 983, G replaced by A.
Protein change: p.Arg328His; replaces arginine 328 with histidine.
Molecular consequence: missense variant.
Genome position (GRCh38, 1-based): chr1:228,059,389, G>A. VCF-style: chr1-228059389-G-A. GRCh37 (hg19) VCF-style: chr1-228247090-G-A.
Other names: short protein forms R328H.
Identifiers: ClinVar variation 2961384 (VCV002961384.3), dbSNP rs745818320, ClinGen allele CA1429566.
Genomic context (GRCh38, chr1:228,059,389, plus strand): 5'-ACCTGCTGTGCTGCGGCCGCGGCCACAACGCGCGAGCGGAGCGGCGCCGGGAGAAGTGCC[G>A]CTGCGTGTTCCACTGGTGCTGCTACGTCAGCTGCCAGGAGTGCACGCGCGTCTACGACGT-3'
Protein context (NP_149122.1, residues 318-338): ARAERRREKC[Arg328His]CVFHWCCYVS